The following is an entry in ClinVar:

NM_000388.4(CASR):c.557C>A (p.Thr186Asn)

Gene: CASR (calcium sensing receptor; plus strand). Cytogenetic location: 3q21.1.
Variant type: single nucleotide variant.
Coding change: c.557C>A on transcript NM_000388.4 (MANE Select); coding-DNA position 557, C replaced by A.
Protein change: p.Thr186Asn; replaces threonine 186 with asparagine.
Molecular consequence: missense variant.
Genome position (GRCh38, 1-based): chr3:122,261,592, C>A. VCF-style: chr3-122261592-C-A. GRCh37 (hg19) VCF-style: chr3-121980439-C-A.
Other names: c.557C>A, p.Thr186Asn (NM_001178065.2); short protein forms T186N.
Identifiers: ClinVar variation 4983145 (VCV004983145.1).
Genomic context (GRCh38, chr3:122,261,592, plus strand): 5'-GTTATGCCTCCTCCAGCAGACTCCTCAGCAACAAGAATCAATTCAAGTCTTTCCTCCGAA[C>A]CATCCCCAATGATGAGCACCAGGCCACTGCCATGGCAGACATCATCGAGTATTTCCGCTG-3'
Protein context (NP_000379.3, residues 176-196): NKNQFKSFLR[Thr186Asn]IPNDEHQATA

ClinVar aggregate classification (germline): Likely pathogenic (1 of 4 stars; one submission).

Conditions:
CASR-related disorder. Also called: CASR-related condition.

Submission:

PreventionGenetics, part of Exact Sciences
Classification: Likely pathogenic for CASR-related condition. Last evaluated: 2026-03-23. Review status: criteria provided, single submitter. Criteria: ACMG Guidelines, 2015. Collection method: clinical testing. Allele origin: germline.
Comment: The CASR c.557C>A variant is predicted to result in the amino acid substitution p.Thr186Asn. This variant has been reported in an individual with hypocalcemia (Tsuji et al. 2021. PubMed ID: 33506158). In vitro functional studies have demonstrated that the p.Thr186Asn variant results in an increased CaSR sensitivity to extracellular calcium concentrations relative to wild type (Tsuji et al. 2021. PubMed ID: 33506158). At PreventionGenetics, we previously identified this variant in several other patients with CASR-related disorders. This variant has not been reported in a large population database (gnomAD), indicating this variant is rare. This variant is interpreted as likely pathogenic.